The following is an entry in ClinVar:

ClinVar aggregate classification (germline): Likely pathogenic (1 of 4 stars; one submission).

Conditions:
Age related macular degeneration 4. Identifiers: MedGen C1853147, MONDO:0012540, OMIM 610698.

Submission:

SingHealth Duke-NUS Institute of Precision Medicine
Classification: Likely pathogenic for Age related macular degeneration 4. Last evaluated: 2025-02-05. Review status: criteria provided, single submitter. Criteria: PRISM ACMG Classification Criteria. Collection method: clinical testing. Allele origin: germline. Affected: yes.
Comment: Variant is truncating a gene where LOF is a known mechanism of disease (PVS1). Variant is not found in gnomAD genomes or exomes (PM2).

NM_000186.4(CFH):c.55G>T (p.Glu19Ter)

Gene: CFH (complement factor H; plus strand). Cytogenetic location: 1q31.3.
Variant type: single nucleotide variant.
Coding change: c.55G>T on transcript NM_000186.4 (MANE Select); coding-DNA position 55, G replaced by T.
Protein change: p.Glu19Ter; replaces glutamic acid 19 with a stop codon.
Molecular consequence: nonsense.
Genome position (GRCh38, 1-based): chr1:196,652,172, G>T. VCF-style: chr1-196652172-G-T. GRCh37 (hg19) VCF-style: chr1-196621302-G-T.
Other names: c.55G>T, p.Glu19Ter (NM_001014975.3); short protein forms E19*.
Identifiers: ClinVar variation 3767361 (VCV003767361.1).